The following is an entry in ClinVar:

ClinVar aggregate classification (germline): Uncertain significance. Review status: criteria provided, multiple submitters, no conflicts (2 of 4 stars). 3 submissions from 3 submitters: Uncertain significance (3). Last evaluated 2024-10-13.

Conditions:
Cernunnos-XLF deficiency (IMD124). Also called: SCID, AUTOSOMAL RECESSIVE, T CELL-NEGATIVE, B CELL-NEGATIVE, NK CELL-POSITIVE, WITH MICROCEPHALY, GROWTH RETARDATION, AND SENSITIVITY TO IONIZING RADIATION; Severe combined immunodeficiency with sensitivity to ionizing radiation due to NHEJ1 deficiency; SCID, autosomal recessive, T cell-negative, B cell-negative, NK cell-positive, and sensitivity to ionizing radiation due to NHEJ1 deficiency; IMMUNODEFICIENCY 124, SEVERE COMBINED; NHEJ1 SYNDROME. Identifiers: Orphanet 169079, MedGen C1969799, MONDO:0012650, OMIM 611291.
Inborn genetic diseases. Identifiers: MedGen C0950123, MeSH D030342.

Allele frequency attached by ClinVar (database versions not stated): TOPMed 0.00010; gnomAD 0.00014.
gnomAD v4.1: 36 of 1,613,978 alleles (0.0022%); highest among the groups gnomAD compares: African/African-American, 0.037%; no homozygotes.

Submissions (3):

Women's Health and Genetics/Laboratory Corporation of America, LabCorp
Classification: Uncertain significance. Last evaluated: 2024-10-13. Review status: criteria provided, single submitter. Criteria: LabCorp Variant Classification Summary - May 2015. Collection method: clinical testing. Allele origin: germline.

Ambry Genetics
Classification: Uncertain significance for Inborn genetic diseases. Last evaluated: 2024-06-10. Review status: criteria provided, single submitter. Criteria: Ambry Variant Classification Scheme 2023. Collection method: clinical testing. Allele origin: germline.

Labcorp Genetics (formerly Invitae), Labcorp
Classification: Uncertain significance for Cernunnos-XLF deficiency. Last evaluated: 2022-03-20. Review status: criteria provided, single submitter. Criteria: Invitae Variant Classification Sherloc (09022015). Collection method: clinical testing. Allele origin: germline.
Comment: This sequence change replaces serine, which is neutral and polar, with leucine, which is neutral and non-polar, at codon 287 of the NHEJ1 protein (p.Ser287Leu). This variant is present in population databases (rs760280185, gnomAD 0.02%). This variant has not been reported in the literature in individuals affected with NHEJ1-related conditions. ClinVar contains an entry for this variant (Variation ID: 1008109). Algorithms developed to predict the effect of missense changes on protein structure and function output the following: SIFT: "Tolerated"; PolyPhen-2: "Benign"; Align-GVGD: "Class C0". The leucine amino acid residue is found in multiple mammalian species, which suggests that this missense change does not adversely affect protein function. In summary, the available evidence is currently insufficient to determine the role of this variant in disease. Therefore, it has been classified as a Variant of Uncertain Significance.

NM_024782.3(NHEJ1):c.860C>T (p.Ser287Leu)

Gene: NHEJ1 (non-homologous end joining factor 1; minus strand). Cytogenetic location: 2q35.
Variant type: single nucleotide variant.
Coding change: c.860C>T on transcript NM_024782.3 (MANE Select); coding-DNA position 860, C replaced by T.
Protein change: p.Ser287Leu; replaces serine 287 with leucine.
Molecular consequence: missense variant. On other transcripts: non-coding transcript variant (1).
Genome position (GRCh38, 1-based): chr2:219,076,421, G>A on the plus strand (C>T on the coding strand, the complement: NHEJ1 is on the minus strand). VCF-style: chr2-219076421-G-A. GRCh37 (hg19) VCF-style: chr2-219941143-G-A.
Other names: c.860C>T, p.Ser287Leu (NM_001377498.1); c.875C>T, p.Ser292Leu (NM_001377499.1); c.860C>T (NM_024782.2); short protein forms S287L, S292L.
Identifiers: ClinVar variation 1008109 (VCV001008109.7), dbSNP rs760280185, ClinGen allele CA2116824.